The following is an entry in ClinVar:

ClinVar aggregate classification (germline): Uncertain significance (1 of 4 stars; one submission).

Conditions:
Autosomal recessive limb-girdle muscular dystrophy type 2J (LGMDR10). Also called: Limb-girdle muscular dystrophy, type 2J; MUSCULAR DYSTROPHY, LIMB-GIRDLE, AUTOSOMAL RECESSIVE 10. Identifiers: Orphanet 140922, MedGen C1837342, MONDO:0012127, OMIM 608807.
Dilated cardiomyopathy 1G (CMD1G). Identifiers: Orphanet 154, MedGen C1858763, MONDO:0011400, OMIM 604145.

Submission:

Labcorp Genetics (formerly Invitae), Labcorp
Classification: Uncertain significance for Dilated cardiomyopathy 1G; Autosomal recessive limb-girdle muscular dystrophy type 2J. Last evaluated: 2025-05-27. Review status: criteria provided, single submitter. Criteria: Invitae Variant Classification Sherloc (09022015). Collection method: clinical testing. Allele origin: germline.
Comment: This sequence change replaces histidine, which is basic and polar, with arginine, which is basic and polar, at codon 34940 of the TTN protein (p.His34940Arg). This variant is not present in population databases (gnomAD no frequency). This variant has not been reported in the literature in individuals affected with TTN-related conditions. Experimental studies and prediction algorithms are not available or were not evaluated, and the functional significance of this variant is currently unknown. This variant is located in the M band of TTN (PMID: 25589632). Non-truncating variants in this region may be relevant for neuromuscular disorders, but have not been definitively shown to cause cardiomyopathy (PMID: 23975875). In summary, the available evidence is currently insufficient to determine the role of this variant in disease. Therefore, it has been classified as a Variant of Uncertain Significance.

Literature cited by the submitters: PubMed 25589632; PubMed 23975875.

NM_001267550.2(TTN):c.104819A>G (p.His34940Arg)

Genes: TTN-AS1 (TTN antisense RNA 1; plus strand), TTN (titin; minus strand). Cytogenetic location: 2q31.2.
Variant type: single nucleotide variant.
Coding change: c.104819A>G on transcript NM_001267550.2 (MANE Select); coding-DNA position 104819, A replaced by G.
Protein change: p.His34940Arg; replaces histidine 34940 with arginine.
Molecular consequence: missense variant.
Genome position (GRCh38, 1-based): chr2:178,531,796, T>C on the plus strand (A>G on the coding strand, the complement: TTN is on the minus strand). VCF-style: chr2-178531796-T-C. GRCh37 (hg19) VCF-style: chr2-179396523-T-C.
Other names: c.99896A>G, p.His33299Arg (NM_001256850.1); c.77624A>G, p.His25875Arg (NM_003319.4); c.97115A>G, p.His32372Arg (NM_133378.4); c.77999A>G, p.His26000Arg (NM_133432.3); c.78200A>G, p.His26067Arg (NM_133437.4); short protein forms H32372R, H25875R, H26067R, H26000R, H33299R, H34940R.
Identifiers: ClinVar variation 4785122 (VCV004785122.1).